The following is an entry in ClinVar:

ClinVar aggregate classification (germline): Uncertain significance. Review status: criteria provided, multiple submitters, no conflicts (2 of 4 stars). 2 submissions from 2 submitters: Uncertain significance (2). Last evaluated 2021-10-15.

Conditions:
Cone-rod dystrophy 13 (CORD13). Identifiers: Orphanet 1872, MedGen C2750720, MONDO:0011987, OMIM 608194.
Leber congenital amaurosis 6 (LCA6). Identifiers: Orphanet 65, MedGen C1854260, MONDO:0013446, OMIM 613826.

Allele frequency attached by ClinVar (database versions not stated): gnomAD exomes below 0.00001; TOPMed below 0.00001; gnomAD 0.00001; ExAC 0.00002.
gnomAD v4.1: 7 of 1,461,388 alleles (0.00048%); highest among the groups gnomAD compares: Non-Finnish European, 0.00065%; no homozygotes.

Submissions (2):

Labcorp Genetics (formerly Invitae), Labcorp
Classification: Uncertain significance for Leber congenital amaurosis 6; Cone-rod dystrophy 13. Last evaluated: 2021-10-15. Review status: criteria provided, single submitter. Criteria: Invitae Variant Classification Sherloc (09022015). Collection method: clinical testing. Allele origin: germline.
Comment: This sequence change replaces glutamine with arginine at codon 309 of the RPGRIP1 protein (p.Gln309Arg). The glutamine residue is weakly conserved and there is a small physicochemical difference between glutamine and arginine. This variant is present in population databases (rs757291015, ExAC 0.004%). This variant has not been reported in the literature in individuals affected with RPGRIP1-related conditions. Algorithms developed to predict the effect of missense changes on protein structure and function are either unavailable or do not agree on the potential impact of this missense change (SIFT: "Tolerated"; PolyPhen-2: "Possibly Damaging"; Align-GVGD: "Class C0"). In summary, the available evidence is currently insufficient to determine the role of this variant in disease. Therefore, it has been classified as a Variant of Uncertain Significance.

Blueprint Genetics
Classification: Uncertain significance. Last evaluated: 2017-08-11. Review status: criteria provided, single submitter. Criteria: ACMG Guidelines, 2015. Collection method: clinical testing. Allele origin: germline.

NM_020366.4(RPGRIP1):c.926A>G (p.Gln309Arg)

Gene: RPGRIP1 (RPGR interacting protein 1; plus strand). Cytogenetic location: 14q11.2.
Variant type: single nucleotide variant.
Coding change: c.926A>G on transcript NM_020366.4 (MANE Select); coding-DNA position 926, A replaced by G.
Protein change: p.Gln309Arg; replaces glutamine 309 with arginine.
Molecular consequence: missense variant.
Genome position (GRCh38, 1-based): chr14:21,310,603, A>G. VCF-style: chr14-21310603-A-G. GRCh37 (hg19) VCF-style: chr14-21778762-A-G.
Other names: short protein forms Q309R.
Identifiers: ClinVar variation 1413203 (VCV001413203.7), dbSNP rs757291015, ClinGen allele CA7088790.